The following is an entry in ClinVar:

ClinVar aggregate classification (germline): Likely pathogenic (1 of 4 stars; one submission).

Conditions:
Leukocyte adhesion deficiency 1 (LAD1). Also called: LAD 1; Lymphocyte function-associated antigen 1 immunodeficiency; LFA 1 immunodeficiency; LEUKOCYTE ADHESION DEFICIENCY, TYPE I. Identifiers: Orphanet 2968, Orphanet 99842, MedGen C0398738, MONDO:0007293, OMIM 116920.

Submission:

Labcorp Genetics (formerly Invitae), Labcorp
Classification: Likely pathogenic for Leukocyte adhesion deficiency 1. Last evaluated: 2025-02-17. Review status: criteria provided, single submitter. Criteria: Invitae Variant Classification Sherloc (09022015). Collection method: clinical testing. Allele origin: germline.
Comment: This variant results in the deletion of part of exon 7 (c.742-163_768del) of the ITGB2 gene. It is expected to disrupt RNA splicing. Variants that disrupt the donor or acceptor splice site typically lead to a loss of protein function (PMID: 16199547), and loss-of-function variants in ITGB2 are known to be pathogenic (PMID: 22134107, 25703682). This variant is not present in population databases (gnomAD no frequency). This variant has not been reported in the literature in individuals affected with ITGB2-related conditions. ClinVar contains an entry for this variant (Variation ID: 2042442). In summary, the currently available evidence indicates that the variant is pathogenic, but additional data are needed to prove that conclusively. Therefore, this variant has been classified as Likely Pathogenic.

Literature cited by the submitters: PubMed 16199547; PubMed 22134107; PubMed 25703682.

NM_000211.5(ITGB2):c.742-163_768del

Gene: ITGB2 (integrin subunit beta 2; minus strand). Cytogenetic location: 21q22.3.
Variant type: Deletion.
Coding change: c.742-163_768del on transcript NM_000211.5 (MANE Select); 163 bases into the intron before coding-DNA position 742 through coding-DNA position 768, 190 bases deleted.
Molecular consequence: splice acceptor variant.
Genome position (GRCh38, 1-based): chr21:44,900,449-44,900,638, 190 bases deleted. GRCh37 (hg19): chr21:46,320,366-46,320,555.
Other names: c.742-163_768del (NM_001127491.3); c.535-163_561del (NM_001303238.2).
Identifiers: ClinVar variation 2042442 (VCV002042442.4), dbSNP rs2517122868, ClinGen allele CA2580098973.